The following is an entry in ClinVar:

NM_001353214.3(DYM):c.348G>C (p.Val116=)

Gene: DYM (dymeclin; minus strand). Cytogenetic location: 18q21.1.
Variant type: single nucleotide variant.
Coding change: c.348G>C on transcript NM_001353214.3 (MANE Select); coding-DNA position 348, G replaced by C.
Protein change: p.Val116=; no amino-acid change (valine 116 retained).
Molecular consequence: synonymous variant. On other transcripts: intron variant (5).
Genome position (GRCh38, 1-based): chr18:49,378,640, C>G on the plus strand (G>C on the coding strand, the complement: DYM is on the minus strand). VCF-style: chr18-49378640-C-G. GRCh37 (hg19) VCF-style: chr18-46905010-C-G.
Other names: c.348G>C, p.Val116= (NM_001374437.1, NM_001374438.1, NM_017653.6 and 12 more transcripts); c.345G>C, p.Val115= (NM_001374439.1, NM_001353211.3, NM_001353212.3 and 1 more transcripts); c.193+12953G>C (NM_001374443.1, NM_001374444.1, NM_001374442.1 and 2 more transcripts); c.348G>C (NM_017653.3).
Identifiers: ClinVar variation 1628166 (VCV001628166.11), dbSNP rs1375073183, ClinGen allele CA503831525.

ClinVar aggregate classification (germline): Likely benign. Review status: criteria provided, single submitter (1 of 4 stars). 2 submissions from 2 submitters: Likely benign (1). 1 of the submissions does not count toward it. Last evaluated 2022-11-08.

Conditions:
DYM-related disorder. Also called: DYM-related condition.

Allele frequency attached by ClinVar (database versions not stated): gnomAD exomes 0.00001; gnomAD 0.00003 and 0.00004; TOPMed 0.00005.
gnomAD v4.1: 31 of 1,613,110 alleles (0.0019%); highest among the groups gnomAD compares: Non-Finnish European, 0.0025%; no homozygotes.

Submissions (2):

Labcorp Genetics (formerly Invitae), Labcorp
Classification: Likely benign. Last evaluated: 2022-11-08. Review status: criteria provided, single submitter. Criteria: Invitae Variant Classification Sherloc (09022015). Collection method: clinical testing. Allele origin: germline.

PreventionGenetics, part of Exact Sciences
Classification: Likely benign for DYM-related condition. Last evaluated: 2020-01-08. Review status: no assertion criteria provided. Collection method: clinical testing. Allele origin: germline. Not counted in ClinVar's aggregate classification.
Comment: This variant is classified as likely benign based on ACMG/AMP sequence variant interpretation guidelines (Richards et al. 2015 PMID: 25741868, with internal and published modifications).